The following is an entry in ClinVar:

ClinVar aggregate classification (germline): Uncertain significance (1 of 4 stars; one submission).

Conditions:
Hereditary cancer-predisposing syndrome. Also called: Neoplastic Syndromes, Hereditary; Hereditary neoplastic syndrome; Tumor predisposition; Hereditary Cancer Syndrome. Identifiers: Orphanet 140162, MedGen C0027672, MeSH D009386, MONDO:0015356.

Submission:

Ambry Genetics
Classification: Uncertain significance for Hereditary cancer-predisposing syndrome. Last evaluated: 2022-11-25. Review status: criteria provided, single submitter. Criteria: Ambry Variant Classification Scheme 2023. Collection method: clinical testing. Allele origin: germline.
Comment: The p.V196D variant (also known as c.587T>A), located in coding exon 6 of the FANCC gene, results from a T to A substitution at nucleotide position 587. The valine at codon 196 is replaced by aspartic acid, an amino acid with highly dissimilar properties. This amino acid position is conserved. In addition, this alteration is predicted to be tolerated by in silico analysis. Since supporting evidence is limited at this time, the clinical significance of this alteration remains unclear.

NM_000136.3(FANCC):c.587T>A (p.Val196Asp)

Genes: FANCC (FA complementation group C; minus strand), AOPEP (aminopeptidase O (putative); plus strand). Cytogenetic location: 9q22.32.
Variant type: single nucleotide variant.
Coding change: c.587T>A on transcript NM_000136.3 (MANE Select); coding-DNA position 587, T replaced by A.
Protein change: p.Val196Asp; replaces valine 196 with aspartic acid.
Molecular consequence: missense variant.
Genome position (GRCh38, 1-based): chr9:95,150,022, A>T on the plus strand (T>A on the coding strand, the complement: FANCC is on the minus strand). VCF-style: chr9-95150022-A-T. GRCh37 (hg19) VCF-style: chr9-97912304-A-T.
Other names: c.587T>A, p.Val196Asp (NM_001243743.2, NM_001243744.2); short protein forms V196D.
Identifiers: ClinVar variation 2463078 (VCV002463078.2), dbSNP rs2541700067, ClinGen allele CA374109713.